The following is an entry in ClinVar:

ClinVar aggregate classification (germline): Conflicting classifications of pathogenicity. Review status: criteria provided, conflicting classifications (1 of 4 stars). 2 submissions from 2 submitters: Uncertain significance (1); Likely benign (1). Last evaluated 2023-03-23.

Conditions:
Hereditary cancer-predisposing syndrome. Also called: Hereditary neoplastic syndrome; Tumor predisposition; Neoplastic Syndromes, Hereditary; Hereditary Cancer Syndrome. Identifiers: Orphanet 140162, MedGen C0027672, MeSH D009386, MONDO:0015356.
Hereditary breast ovarian cancer syndrome. Also called: Hereditary breast and ovarian cancer; Hereditary breast and/or ovarian cancer syndrome; Hereditary breast and ovarian cancer syndrome; Hereditary breast and ovarian cancer syndrome (HBOC); Breast and ovarian cancer; BRCA1- and BRCA2-Associated Hereditary Breast and Ovarian Cancer. Identifiers: Orphanet 145, MedGen C0677776, MeSH D061325, MONDO:0003582. Disease mechanism: loss of function.

Submissions (2):

University of Washington Department of Laboratory Medicine, University of Washington
Classification: Likely benign for Hereditary cancer-predisposing syndrome. Last evaluated: 2023-03-23. Review status: criteria provided, single submitter. Criteria: Dines et al. (Genet Med. 2020). Collection method: curation. Allele origin: germline.
Comment: Missense variant in a coldspot region where missense variants are very unlikely to be pathogenic (PMID:31911673).

BRCA1 coldspot (exon 11 using historical exon numbering). Reclassification based on statistical prior probability

Labcorp Genetics (formerly Invitae), Labcorp
Classification: Uncertain significance for Hereditary breast ovarian cancer syndrome. Last evaluated: 2021-05-06. Review status: criteria provided, single submitter. Criteria: Invitae Variant Classification Sherloc (09022015). Collection method: clinical testing. Allele origin: germline.
Comment: This variant is not present in population databases (ExAC no frequency). This variant has not been reported in the literature in individuals with BRCA1-related conditions. ClinVar contains an entry for this variant (Variation ID: 955992). Advanced modeling of protein sequence and biophysical properties (such as structural, functional, and spatial information, amino acid conservation, physicochemical variation, residue mobility, and thermodynamic stability) performed at Invitae indicates that this missense variant is not expected to disrupt BRCA1 protein function. In summary, the available evidence is currently insufficient to determine the role of this variant in disease. Therefore, it has been classified as a Variant of Uncertain Significance. This sequence change replaces lysine with glutamic acid at codon 734 of the BRCA1 protein (p.Lys734Glu). The lysine residue is weakly conserved and there is a small physicochemical difference between lysine and glutamic acid.

NM_007294.4(BRCA1):c.2200A>G (p.Lys734Glu)

Gene: BRCA1 (BRCA1 DNA repair associated; minus strand). Cytogenetic location: 17q21.31.
Variant type: single nucleotide variant.
Coding change: c.2200A>G on transcript NM_007294.4 (MANE Select); coding-DNA position 2200, A replaced by G.
Protein change: p.Lys734Glu; replaces lysine 734 with glutamic acid.
Molecular consequence: missense variant. On other transcripts: intron variant (137).
Genome position (GRCh38, 1-based): chr17:43,093,331, T>C on the plus strand (A>G on the coding strand, the complement: BRCA1 is on the minus strand). VCF-style: chr17-43093331-T-C. GRCh37 (hg19) VCF-style: chr17-41245348-T-C.
Other names: c.1987A>G, p.Lys663Glu (NM_001407571.1, NM_001407853.1, NM_001407894.1 and 9 more transcripts); c.2200A>G, p.Lys734Glu (NM_001407581.1, NM_001407582.1, NM_001407583.1 and 30 more transcripts); c.2197A>G, p.Lys733Glu (NM_001407587.1, NM_001407590.1, NM_001407591.1 and 22 more transcripts); c.2191A>G, p.Lys731Glu (NM_001407646.1, NM_001407647.1); c.2077A>G, p.Lys693Glu (NM_001407648.1, NM_001407664.1, NM_001407665.1 and 19 more transcripts); c.2074A>G, p.Lys692Glu (NM_001407649.1, NM_001407670.1, NM_001407671.1 and 11 more transcripts); c.2122A>G, p.Lys708Glu (NM_001407653.1, NM_001407654.1, NM_001407655.1 and 4 more transcripts); c.2119A>G, p.Lys707Glu (NM_001407659.1, NM_001407660.1, NM_001407661.1 and 1 more transcripts); and 41 more; short protein forms K687E, K734E, K623E, K693E, K708E, K606E, K663E, K692E.
Identifiers: ClinVar variation 955992 (VCV000955992.13), dbSNP rs2053806415, ClinGen allele CA10597598.
Genomic context (GRCh38, chr17:43,093,331, plus strand): 5'-CACTTAACATGAGATCTTTGGGGTCTTCAGCATTATTAGACACTTTAACTGTTTCTAGTT[T>C]CTCTTCTTTTTCTTCTCTTGGAAGGCTAGGATTGACAAATTCTTTAAGTTCACTGGTATT-3'
Protein context (NP_009225.1, residues 724-744): PSLPREEKEE[Lys734Glu]LETVKVSNNA